The following is an entry in ClinVar:

NM_016306.6(DNAJB11):c.230T>C (p.Leu77Pro)

Gene: DNAJB11 (DnaJ heat shock protein family (Hsp40) member B11; plus strand). Cytogenetic location: 3q27.3.
Variant type: single nucleotide variant.
Coding change: c.230T>C on transcript NM_016306.6 (MANE Select); coding-DNA position 230, T replaced by C.
Protein change: p.Leu77Pro; replaces leucine 77 with proline.
Molecular consequence: missense variant. On other transcripts: non-coding transcript variant (6).
Genome position (GRCh38, 1-based): chr3:186,575,844, T>C. VCF-style: chr3-186575844-T-C. GRCh37 (hg19) VCF-style: chr3-186293633-T-C.
Other names: c.230T>C, p.Leu77Pro (NM_001378451.1); c.230T>C (NM_016306.4); short protein forms L77P.
Identifiers: ClinVar variation 549850 (VCV000549850.1), dbSNP rs1553850185, ClinGen allele CA355713298.

ClinVar aggregate classification (germline): Likely pathogenic. Review status: criteria provided, multiple submitters, no conflicts (2 of 4 stars). 3 submissions from 3 submitters: Likely pathogenic (2). 1 of the submissions does not count toward it. Last evaluated 2026-01-30.

Conditions:
Autosomal dominant polycystic kidney disease. Identifiers: Orphanet 730, MedGen C0085413, MONDO:0004691.
Polycystic kidney disease 6 with or without polycystic liver disease. Also called: Autosomal Dominant Polycystic Kidney Disease-DNAJB11. Identifiers: MedGen C4748044, MONDO:0054842, OMIM 618061.

Allele frequency attached by ClinVar (database versions not stated): gnomAD exomes below 0.00001.

Submissions (3):

Mayo Translational Polycystic Kidney Disease Center, Mayo Clinic
Classification: Likely pathogenic for Autosomal dominant polycystic kidney disease. Last evaluated: 2026-01-30. Review status: criteria provided, single submitter. Criteria: ACMG Guidelines, 2015. Collection method: research. Allele origin: germline. Inheritance: Autosomal dominant inheritance. Affected: yes.
Comment: The c.230T>C variant in the DNAJB11 gene results in a missense substitution of leucine to proline at codon 77 (p.Leu77Pro). This residue is highly conserved across species, suggesting functional importance. Multiple in silico prediction tools predict a deleterious effect on protein function, supporting PP3. The variant is extremely rare (<0.01%) in gnomAD v4.1.0, consistent with PM2. It has been observed in two affected individuals and not in an unaffected family member within a family with polycystic kidney disease, lending support to PP1 and PP4 (PMID: 29706351).

SIB Swiss Institute of Bioinformatics
Classification: Likely pathogenic for Polycystic kidney disease 6 with or without polycystic liver disease. Last evaluated: 2018-10-15. Review status: criteria provided, single submitter. Criteria: ACMG Guidelines, 2015. Collection method: curation. Allele origin: germline.
Comment: This variant is interpreted as Likely Pathogenic, for Polycystic kidney disease 6 with or without polycystic liver disease, autosomal dominant. The following ACMG Tag(s) were applied: PM2 => Absent from controls (or at extremely low frequency if recessive) in Exome Sequencing Project, 1000 Genomes Project, or Exome Aggregation Consortium. PP3 => Multiple lines of computational evidence support a deleterious effect on the gene or gene product. PM1 => Located in a mutational hot spot and/or critical and well-established functional domain (e.g., active site of an enzyme) without benign variation. PP1 => Cosegregation with disease in multiple affected family members in a gene definitively known to cause the disease (PubMed 29706351).

OMIM
Classification: Pathogenic for POLYCYSTIC KIDNEY DISEASE 6 WITHOUT POLYCYSTIC LIVER DISEASE. Last evaluated: 2018-07-27. Review status: no assertion criteria provided. Collection method: literature only. Allele origin: germline. Not counted in ClinVar's aggregate classification.

Literature cited by the submitters: PubMed 29706351 (cited by 3 submitters).